The following is an entry in ClinVar:

ClinVar aggregate classification (germline): Pathogenic (1 of 4 stars; one submission).

Submission:

Labcorp Genetics (formerly Invitae), Labcorp
Classification: Pathogenic. Last evaluated: 2023-06-11. Review status: criteria provided, single submitter. Criteria: Invitae Variant Classification Sherloc (09022015). Collection method: clinical testing. Allele origin: germline.
Comment: A similar copy number variant has been observed in individuals with hypophosphatemia (Invitae). For these reasons, this variant has been classified as Pathogenic. This variant results in a copy number gain of the genomic region encompassing exon(s) 4-9 of the PHEX gene. While the exact position of this variant cannot be determined from the data, sub-genic copy number gains are generally in tandem (PMID: 25640679). This variant is predicted to be out-of-frame, and may result in an absent or disrupted protein product. Loss-of-function variants in PHEX are known to be pathogenic (PMID: 9097956, 9106524, 19219621).

Literature cited by the submitters: PubMed 25640679; PubMed 9097956; PubMed 9106524; PubMed 19219621.

NC_000023.10:g.(?_22094486)_(22117289_?)dup

Gene: PHEX (phosphate regulating endopeptidase X-linked; plus strand). Cytogenetic location: Xp22.11.
Variant type: Duplication.
Identifiers: ClinVar variation 1497673 (VCV001497673.6).